The following is an entry in ClinVar:

NM_006258.4(PRKG1):c.907G>A (p.Asp303Asn)

Gene: PRKG1 (protein kinase cGMP-dependent 1; plus strand). Cytogenetic location: 10q21.1.
Variant type: single nucleotide variant.
Coding change: c.907G>A on transcript NM_006258.4 (MANE Select); coding-DNA position 907, G replaced by A.
Protein change: p.Asp303Asn; replaces aspartic acid 303 with asparagine.
Molecular consequence: missense variant. On other transcripts: 5 prime UTR variant (1).
Genome position (GRCh38, 1-based): chr10:52,062,603, G>A. VCF-style: chr10-52062603-G-A. GRCh37 (hg19) VCF-style: chr10-53822363-G-A.
Other names: c.862G>A, p.Asp288Asn (NM_001098512.3); c.-303G>A (NM_001374781.1); c.907G>A, p.Asp303Asn (NM_001374782.1); short protein forms D303N, D288N.
Identifiers: ClinVar variation 4744701 (VCV004744701.1).

ClinVar aggregate classification (germline): Uncertain significance (1 of 4 stars; one submission).

Conditions:
Aortic aneurysm, familial thoracic 8 (AAT8). Identifiers: MedGen C3809513, MONDO:0014187, OMIM 615436.

Submission:

Labcorp Genetics (formerly Invitae), Labcorp
Classification: Uncertain significance for Aortic aneurysm, familial thoracic 8. Last evaluated: 2025-03-22. Review status: criteria provided, single submitter. Criteria: Invitae Variant Classification Sherloc (09022015). Collection method: clinical testing. Allele origin: germline.
Comment: This sequence change replaces aspartic acid, which is acidic and polar, with asparagine, which is neutral and polar, at codon 303 of the PRKG1 protein (p.Asp303Asn). This variant is present in population databases (rs773141618, gnomAD 0.006%). This variant has not been reported in the literature in individuals affected with PRKG1-related conditions. An algorithm developed to predict the effect of missense changes on protein structure and function (PolyPhen-2) suggests that this variant is likely to be disruptive. In summary, the available evidence is currently insufficient to determine the role of this variant in disease. Therefore, it has been classified as a Variant of Uncertain Significance.